The following is an entry in ClinVar:

ClinVar aggregate classification (germline): Uncertain significance (1 of 4 stars; one submission).

Conditions:
Cardiovascular phenotype. Identifiers: MedGen CN230736.

Allele frequency attached by ClinVar (database versions not stated): gnomAD exomes below 0.00001.
gnomAD v4.1: 1 of 1,614,030 alleles (0.000062%); highest among the groups gnomAD compares: Non-Finnish European, 0.000085%; no homozygotes.

Submission:

Ambry Genetics
Classification: Uncertain significance for Cardiovascular phenotype. Last evaluated: 2019-12-05. Review status: criteria provided, single submitter. Criteria: Ambry Variant Classification Scheme 2023. Collection method: clinical testing. Allele origin: germline.
Comment: The p.Q1937H variant (also known as c.5811A>T), located in coding exon 38 of the RYR2 gene, results from an A to T substitution at nucleotide position 5811. The glutamine at codon 1937 is replaced by histidine, an amino acid with highly similar properties. This amino acid position is highly conserved in available vertebrate species. In addition, the in silico prediction for this alteration is inconclusive. Since supporting evidence is limited at this time, the clinical significance of this alteration remains unclear.

NM_001035.3(RYR2):c.5811A>T (p.Gln1937His)

Gene: RYR2 (ryanodine receptor 2; plus strand). Cytogenetic location: 1q43.
Variant type: single nucleotide variant.
Coding change: c.5811A>T on transcript NM_001035.3 (MANE Select); coding-DNA position 5811, A replaced by T.
Protein change: p.Gln1937His; replaces glutamine 1937 with histidine.
Molecular consequence: missense variant.
Genome position (GRCh38, 1-based): chr1:237,617,381, A>T. VCF-style: chr1-237617381-A-T. GRCh37 (hg19) VCF-style: chr1-237780681-A-T.
Other names: short protein forms Q1937H.
Identifiers: ClinVar variation 1749852 (VCV001749852.2), dbSNP rs2546817384, ClinGen allele CA345407101.